The following is an entry in ClinVar:

NM_016529.6(ATP8A2):c.2822T>A (p.Leu941His)

Gene: ATP8A2 (ATPase phospholipid transporting 8A2). Cytogenetic location: 13q12.13.
Variant type: single nucleotide variant.
Coding change: c.2822T>A on transcript NM_016529.6 (MANE Select); coding-DNA position 2822, T replaced by A.
Protein change: p.Leu941His; replaces leucine 941 with histidine.
Molecular consequence: missense variant.
Genome position (GRCh38, 1-based): chr13:25,837,230, T>A. VCF-style: chr13-25837230-T-A. GRCh37 (hg19) VCF-style: chr13-26411368-T-A.
Other names: c.2627T>A, p.Leu876His (NM_001313741.1); c.2822T>A (NM_016529.4); short protein forms L876H, L941H.
Identifiers: ClinVar variation 1378396 (VCV001378396.4), dbSNP rs202245993, ClinGen allele CA6923460.

ClinVar aggregate classification (germline): Uncertain significance. Review status: criteria provided, multiple submitters, no conflicts (2 of 4 stars). 2 submissions from 2 submitters: Uncertain significance (2). Last evaluated 2025-10-24.

Conditions:
Inborn genetic diseases. Identifiers: MedGen C0950123, MeSH D030342.

Allele frequency attached by ClinVar (database versions not stated): TOPMed 0.00014; ESP Exome Variant Server 0.00041; gnomAD exomes 0.00006 and 0.00019; gnomAD 0.00010 and 0.00011; ExAC 0.00004.
gnomAD v4.1: 286 of 1,613,930 alleles (0.018%); highest among the groups gnomAD compares: Non-Finnish European, 0.023%; no homozygotes.

Submissions (2):

Ambry Genetics
Classification: Uncertain significance for Inborn genetic diseases. Last evaluated: 2025-10-24. Review status: criteria provided, single submitter. Criteria: Ambry Variant Classification Scheme 2023. Collection method: clinical testing. Allele origin: germline.

Labcorp Genetics (formerly Invitae), Labcorp
Classification: Uncertain significance. Last evaluated: 2022-07-05. Review status: criteria provided, single submitter. Criteria: Invitae Variant Classification Sherloc (09022015). Collection method: clinical testing. Allele origin: germline.
Comment: This sequence change replaces leucine, which is neutral and non-polar, with histidine, which is basic and polar, at codon 941 of the ATP8A2 protein (p.Leu941His). This variant is present in population databases (rs202245993, gnomAD 0.01%). This variant has not been reported in the literature in individuals affected with ATP8A2-related conditions. ClinVar contains an entry for this variant (Variation ID: 1378396). Algorithms developed to predict the effect of missense changes on protein structure and function are either unavailable or do not agree on the potential impact of this missense change (SIFT: "Deleterious"; PolyPhen-2: "Probably Damaging"; Align-GVGD: "Class C0"). In summary, the available evidence is currently insufficient to determine the role of this variant in disease. Therefore, it has been classified as a Variant of Uncertain Significance.